The following is an entry in ClinVar:

NM_152594.3(SPRED1):c.897G>T (p.Glu299Asp)

Gene: SPRED1 (sprouty related EVH1 domain containing 1; plus strand). Cytogenetic location: 15q14.
Variant type: single nucleotide variant.
Coding change: c.897G>T on transcript NM_152594.3 (MANE Select); coding-DNA position 897, G replaced by T.
Protein change: p.Glu299Asp; replaces glutamic acid 299 with aspartic acid.
Molecular consequence: missense variant.
Genome position (GRCh38, 1-based): chr15:38,351,226, G>T. VCF-style: chr15-38351226-G-T. GRCh37 (hg19) VCF-style: chr15-38643427-G-T.
Other names: short protein forms E299D.
Identifiers: ClinVar variation 3800920 (VCV003800920.1).
Genomic context (GRCh38, chr15:38,351,226, plus strand): 5'-TATTCAGTTTTCTAAACCAGACAGTAAAAAATCAGACTATCTGTACTCTTGTGGGGATGA[G>T]ACTAAGTTAAGTTCACCCAAAGACTCTGTGGTATTTAAGACGCAGCCTTCCTCATTAAAA-3'
Protein context (NP_689807.1, residues 289-309): KSDYLYSCGD[Glu299Asp]TKLSSPKDSV

ClinVar aggregate classification (germline): Uncertain significance (1 of 4 stars; one submission).

Conditions:
Cardiovascular phenotype. Identifiers: MedGen CN230736.

Submission:

Ambry Genetics
Classification: Uncertain significance for Cardiovascular phenotype. Last evaluated: 2025-02-09. Review status: criteria provided, single submitter. Criteria: Ambry Variant Classification Scheme 2023. Collection method: clinical testing. Allele origin: germline.
Comment: The p.E299D variant (also known as c.897G>T), located in coding exon 7 of the SPRED1 gene, results from a G to T substitution at nucleotide position 897. The glutamic acid at codon 299 is replaced by aspartic acid, an amino acid with highly similar properties. This amino acid position is conserved. In addition, this alteration is predicted to be tolerated by in silico analysis. Based on the available evidence, the clinical significance of this variant remains unclear.